The following is an entry in ClinVar:

NM_000035.4(ALDOB):c.324+1G>A

Gene: ALDOB (aldolase, fructose-bisphosphate B; minus strand). Cytogenetic location: 9q31.1.
Variant type: single nucleotide variant.
Coding change: c.324+1G>A on transcript NM_000035.4 (MANE Select); the canonical splice donor site of the intron after coding-DNA position 324, G replaced by A.
Molecular consequence: splice donor variant.
Genome position (GRCh38, 1-based): chr9:101,429,754, C>T on the plus strand (G>A on the coding strand, the complement: ALDOB is on the minus strand). VCF-style: chr9-101429754-C-T. GRCh37 (hg19) VCF-style: chr9-104192036-C-T.
Identifiers: ClinVar variation 218380 (VCV000218380.20), dbSNP rs764826805, ClinGen allele CA347812.
Genomic context (GRCh38, chr9:101,429,754, plus strand): 5'-CCAGTGTGCTTGGAGTTTGCCTAGGACAAAGCAGAAGTGAGGTGTGAATGGAGGTGTTCA[C>T]CTTGATTCCCACCACGATCCCCTTTTCCTTGAGGATGTTTCTGAACAGCTTTCCCTGGCT-3'

ClinVar aggregate classification (germline): Pathogenic. Review status: criteria provided, multiple submitters, no conflicts (2 of 4 stars). 5 submissions from 5 submitters: Pathogenic (2). 3 of the submissions do not count toward it. Last evaluated 2025-07-21.

Conditions:
Hereditary fructosuria. Also called: Hereditary fructose intolerance; ALDOB DEFICIENCY; ALDOLASE B DEFICIENCY; FRUCTOSE-1,6-BISPHOSPHATE ALDOLASE B DEFICIENCY; FRUCTOSE-1-PHOSPHATE ALDOLASE DEFICIENCY; FRUCTOSEMIA. Identifiers: Orphanet 469, MedGen C0016751, MONDO:0009249, OMIM 229600, HP:0005973. Disease mechanism: loss of function.

Allele frequency attached by ClinVar (database versions not stated): gnomAD exomes below 0.00001; ExAC 0.00001.
gnomAD v4.1: 6 of 1,614,012 alleles (0.00037%); highest among the groups gnomAD compares: South Asian, 0.0066%; no homozygotes.

Submissions (5):

Natera, Inc.
Classification: Pathogenic for Fructose intolerance. Last evaluated: 2025-07-21. Review status: criteria provided, single submitter. Criteria: Natera Variant Classification Schema (03/2026). Collection method: clinical testing. Allele origin: germline.
Comment: The c.324+1G>A variant in ALDOB is a canonical splice donor site variant predicted to affect pre-mRNA splicing, which may result in an abnormal transcript and altered protein product. This variant is expected to result in nonsense mediated decay, truncation, or a dysfunctional protein product. This variant is rare in the general population with a frequency below the threshold expected for the associated phenotype(s). This variant has been observed in one or more individuals affected with the associated recessive disease, as either homozygous or compound heterozygous with a second variant (PMID: 25595217). Additionally, this variant has been observed to segregate in affected family members (PMID: 25595217). Given the available evidence, this variant is classified as Pathogenic.

Labcorp Genetics (formerly Invitae), Labcorp
Classification: Pathogenic for Hereditary fructosuria. Last evaluated: 2023-07-07. Review status: criteria provided, single submitter. Criteria: Invitae Variant Classification Sherloc (09022015). Collection method: clinical testing. Allele origin: germline.
Comment: This variant is present in population databases (rs764826805, gnomAD 0.003%). This sequence change affects a donor splice site in intron 3 of the ALDOB gene. It is expected to disrupt RNA splicing. Variants that disrupt the donor or acceptor splice site typically lead to a loss of protein function (PMID: 16199547), and loss-of-function variants in ALDOB are known to be pathogenic (PMID: 18541450). Disruption of this splice site has been observed in individuals with fructose intolerance (PMID: 25595217). ClinVar contains an entry for this variant (Variation ID: 218380). Algorithms developed to predict the effect of sequence changes on RNA splicing suggest that this variant may disrupt the consensus splice site. For these reasons, this variant has been classified as Pathogenic.

ATS em Genética Clínica, Universidade Federal do Rio Grande do Sul
Classification: Likely pathogenic for Hereditary fructosuria. Last evaluated: 2021-03-18. Review status: no assertion criteria provided. Collection method: literature only. Allele origin: unknown. Affected: yes. Not counted in ClinVar's aggregate classification.

Counsyl
Classification: Pathogenic for Hereditary fructosuria. Last evaluated: 2016-08-01. Review status: no assertion criteria provided. Collection method: clinical testing. Allele origin: unknown. Not counted in ClinVar's aggregate classification.

GeneReviews
No classification provided. Condition: Hereditary fructosuria. Review status: no classification provided. Collection method: literature only. Allele origin: germline. Not counted in ClinVar's aggregate classification.
Comment: Common in northern India

Literature cited by the submitters: PubMed 25595217 (cited by 5 submitters); PubMed 16199547 (cited by Labcorp Genetics (formerly Invitae), Labcorp); PubMed 18541450 (cited by Labcorp Genetics (formerly Invitae), Labcorp).